The following is an entry in ClinVar:

NM_024753.5(TTC21B):c.1900-10A>G

Gene: TTC21B (tetratricopeptide repeat domain 21B; minus strand). Cytogenetic location: 2q24.3.
Variant type: single nucleotide variant.
Coding change: c.1900-10A>G on transcript NM_024753.5 (MANE Select); 10 bases into the intron before coding-DNA position 1900, A replaced by G.
Molecular consequence: intron variant.
Genome position (GRCh38, 1-based): chr2:165,915,449, T>C on the plus strand (A>G on the coding strand, the complement: TTC21B is on the minus strand). VCF-style: chr2-165915449-T-C. GRCh37 (hg19) VCF-style: chr2-166771959-T-C.
Identifiers: ClinVar variation 4991080 (VCV004991080.1).
Genomic context (GRCh38, chr2:165,915,449, plus strand): 5'-TGTTCCAGAAAATTCATGGATGGCATCTTGTAAAACTTTGGTTGCCTCATGCTGTAAAGA[T>C]GAAATTAAAATAATCATTCTTCCAAAATAGTGAACAAATAACACTAGAAAGGGAGATTTT-3'

ClinVar aggregate classification (germline): Likely benign (1 of 4 stars; one submission).

Conditions:
TTC21B-related disorder. Also called: TTC21B-related disorders; TTC21B-related condition.

Submission:

PreventionGenetics, part of Exact Sciences
Classification: Likely benign for TTC21B-related condition. Last evaluated: 2025-09-12. Review status: criteria provided, single submitter. Criteria: ACMG Guidelines, 2015. Collection method: clinical testing. Allele origin: germline.
Comment: This variant is classified as likely benign based on ACMG/AMP sequence variant interpretation guidelines (Richards et al. 2015 PMID: 25741868, with internal and published modifications).